The following is an entry in ClinVar:

NM_000532.5(PCCB):c.*4A>G

Gene: PCCB (propionyl-CoA carboxylase subunit beta; plus strand). Cytogenetic location: 3q22.3.
Variant type: single nucleotide variant.
Coding change: c.*4A>G on transcript NM_000532.5 (MANE Select); 4 bases downstream of the stop codon, A replaced by G.
Molecular consequence: 3 prime UTR variant.
Genome position (GRCh38, 1-based): chr3:136,330,030, A>G. VCF-style: chr3-136330030-A-G. GRCh37 (hg19) VCF-style: chr3-136048872-A-G.
Other names: c.*4A>G (NM_001178014.2).
Identifiers: ClinVar variation 3032741 (VCV003032741.2), dbSNP rs773188075, ClinGen allele CA2632250.

ClinVar aggregate classification (germline): Likely benign (0 of 4 stars; one submission).

Conditions:
PCCB-related disorder. Also called: PCCB-related condition.

Allele frequency attached by ClinVar (database versions not stated): ExAC 0.00001; TOPMed 0.00002; gnomAD 0.00003.
gnomAD v4.1: 59 of 1,613,972 alleles (0.0037%); highest among the groups gnomAD compares: Non-Finnish European, 0.0047%; no homozygotes.

Submission:

PreventionGenetics, part of Exact Sciences
Classification: Likely benign for PCCB-related condition. Last evaluated: 2020-10-14. Review status: no assertion criteria provided. Collection method: clinical testing. Allele origin: germline.
Comment: This variant is classified as likely benign based on ACMG/AMP sequence variant interpretation guidelines (Richards et al. 2015 PMID: 25741868, with internal and published modifications).